The following is an entry in ClinVar:

NM_003640.5(ELP1):c.3578C>G (p.Ser1193Ter)

Gene: ELP1 (elongator acetyltransferase complex subunit 1; minus strand). Cytogenetic location: 9q31.3.
Variant type: single nucleotide variant.
Coding change: c.3578C>G on transcript NM_003640.5 (MANE Select); coding-DNA position 3578, C replaced by G.
Protein change: p.Ser1193Ter; replaces serine 1193 with a stop codon.
Molecular consequence: nonsense.
Genome position (GRCh38, 1-based): chr9:108,878,745, G>C on the plus strand (C>G on the coding strand, the complement: ELP1 is on the minus strand). VCF-style: chr9-108878745-G-C. GRCh37 (hg19) VCF-style: chr9-111641025-G-C.
Other names: c.3236C>G, p.Ser1079Ter (NM_001318360.2); c.2531C>G, p.Ser844Ter (NM_001330749.2); short protein forms S1079*, S1193*, S844*.
Identifiers: ClinVar variation 4067211 (VCV004067211.2).

ClinVar aggregate classification (germline): Likely pathogenic (1 of 4 stars; one submission).

Conditions:
Familial dysautonomia. Also called: FD; HSAN III. Identifiers: Orphanet 1764, MedGen C0013364, MONDO:0009131, OMIM 223900. Disease mechanism: loss of function.

gnomAD v4.1: 1 of 1,614,070 alleles (0.000062%); highest among the groups gnomAD compares: Non-Finnish European, 0.000085%; no homozygotes.

Submission:

Natera, Inc.
Classification: Likely pathogenic for Familial dysautonomia. Last evaluated: 2025-04-13. Review status: criteria provided, single submitter. Criteria: Natera Variant Classification Schema (03/2026). Collection method: clinical testing. Allele origin: germline.
Comment: The c.3578C>G variant in ELP1 is a nonsense variant predicted to introduce a stop codon at amino acid 1193. This variant is expected to result in nonsense mediated decay, truncation, or a dysfunctional protein product. This variant is rare in the general population with a frequency below the threshold expected for the associated phenotype(s). Given the available evidence, this variant is classified as Likely Pathogenic.